The following is an entry in ClinVar:

ClinVar aggregate classification (germline): Uncertain significance (1 of 4 stars; one submission).

Conditions:
Pyruvate kinase deficiency of red cells (CNSHA2). Also called: Pyruvate kinase deficiency, Amish type; PK DEFICIENCY; PYRUVATE KINASE DEFICIENCY OF ERYTHROCYTE. Identifiers: Orphanet 766, MedGen C0340968, MONDO:0009950, OMIM 266200.

Submission:

Diagnostics Services (NGS), CSIR - Centre For Cellular And Molecular Biology
Classification: Uncertain significance for Pyruvate kinase deficiency of red cells. Last evaluated: 2023-08-16. Review status: criteria provided, single submitter. Criteria: ACMG Guidelines, 2015. Collection method: clinical testing. Allele origin: unknown. Affected: yes. Observed: 1 variant allele, 1 heterozygote.
Comment: The c.657_677del variant is not present in not present in publicly available population databases like 1000 Genomes, ExAC, EVS, gnomAD, Indian Exome Database or our in-house exome database. This variant has neither been published in literature for PKLR-related conditions nor reported to the clinical databases like ClinVar, Human Genome Mutation Database (HGMD) or OMIM, in any affected individuals. This variant variant is not located in a repeat region and causes in-frame deletion of 21 bases from the wild-type transcript that may alter the protein length by deleting 7 amino acids. This individuals another heterozygous variant (c.829G>T) in PKLR gene.

NM_000298.6(PKLR):c.657_677del (p.Asp220_Leu226del)

Gene: PKLR (pyruvate kinase L/R; minus strand). Cytogenetic location: 1q22.
Variant type: Deletion.
Coding change: c.657_677del on transcript NM_000298.6 (MANE Select); coding-DNA positions 657 to 677, 21 bases deleted (TGACGACGGGCTCATCTCCCT).
Protein change: p.Asp220_Leu226del.
Molecular consequence: inframe deletion.
Genome position (GRCh38, 1-based): chr1:155,295,133-155,295,153, AGGGAGATGAGCCCGTCGTCA deleted on the plus strand (TGACGACGGGCTCATCTCCCT on the coding strand, the reverse complement: PKLR is on the minus strand); deleting any 21 consecutive bases within chr1:155,295,133-155,295,154 gives the same sequence; the c. name uses the placement nearest the transcript's 3' end. VCF-style (leftmost placement, unchanged base first): chr1-155295132-TAGGGAGATGAGCCCGTCGTCA-T. GRCh37 (hg19) VCF-style: chr1-155264923-TAGGGAGATGAGCCCGTCGTCA-T.
Other names: c.564_584del, p.Asp189_Leu195del (NM_181871.4).
Identifiers: ClinVar variation 2577013 (VCV002577013.1), dbSNP rs2525296201, ClinGen allele CA2580612543.